The following is an entry in ClinVar:

NM_000492.4(CFTR):c.326_327del (p.Ser108_Tyr109insTer)

Gene: CFTR (CF transmembrane conductance regulator; plus strand). Cytogenetic location: 7q31.2.
Variant type: Deletion.
Coding change: c.326_327del on transcript NM_000492.4 (MANE Select); coding-DNA positions 326 to 327, 2 bases deleted (AT; older notation c.326_327delAT).
Protein change: p.Ser108_Tyr109insTer.
Molecular consequence: nonsense.
Genome position (GRCh38, 1-based): chr7:117,530,951-117,530,952, AT deleted; deleting any 2 consecutive bases within chr7:117,530,950-117,530,952 gives the same sequence; the c. name uses the placement nearest the transcript's 3' end. VCF-style (leftmost placement, unchanged base first): chr7-117530949-CTA-C. GRCh37 (hg19) VCF-style: chr7-117171003-CTA-C.
Other names: 458delAT.
Identifiers: ClinVar variation 1453724 (VCV001453724.3), dbSNP rs121908798, ClinGen allele CA327120.

ClinVar aggregate classification (germline): Pathogenic (1 of 4 stars; one submission).

Conditions:
Cystic fibrosis (CF). Also called: MUCOVISCIDOSIS. Identifiers: Orphanet 586, MedGen C0010674, MONDO:0009061, OMIM 219700. Disease mechanism: loss of function.

Submission:

Institute of Human Genetics, University of Leipzig Medical Center
Classification: Pathogenic for Cystic fibrosis. Last evaluated: 2022-09-05. Review status: criteria provided, single submitter. Criteria: ACMG Guidelines, 2015. Collection method: curation. Allele origin: unknown. Affected: yes. Observed: 1 variant allele.
Comment: The variant was classified in the context of a project re-classifying variants in the German Cystic Fibrosis Registry (Muko.e.V.). Criteria applied: PVS1, PM2_SUP, PM3_SUP, PP4